The following is an entry in ClinVar:

NM_003086.4(SNAPC4):c.1413T>C (p.Tyr471=)

Gene: SNAPC4 (small nuclear RNA activating complex polypeptide 4; minus strand). Cytogenetic location: 9q34.3.
Variant type: single nucleotide variant.
Coding change: c.1413T>C on transcript NM_003086.4 (MANE Select); coding-DNA position 1413, T replaced by C.
Protein change: p.Tyr471=; no amino-acid change (tyrosine 471 retained).
Molecular consequence: synonymous variant.
Genome position (GRCh38, 1-based): chr9:136,384,727, A>G on the plus strand (T>C on the coding strand, the complement: SNAPC4 is on the minus strand). VCF-style: chr9-136384727-A-G. GRCh37 (hg19) VCF-style: chr9-139279179-A-G.
Other names: c.1413T>C, p.Tyr471= (NM_001394201.1, NM_001394202.1, NM_001394203.1).
Identifiers: ClinVar variation 3778194 (VCV003778194.7).
Genomic context (GRCh38, chr9:136,384,727, plus strand): 5'-AGAAACAAAAAACAAAAAAAAGAAACTAGAAGAACAAACTGTCAGCAACTTACCGACACC[A>G]TATTTTTCTATTAATTCAATTAACTGTTCCTCTTCTTTTAAATTCCACCGACCCTTTTTC-3'
Protein context (NP_003077.2, residues 461-481): EEQLIELIEK[Tyr471=]GVGHWAKIAS

ClinVar aggregate classification (germline): Likely benign (1 of 4 stars; one submission).

gnomAD v4.1: 125 of 1,499,788 alleles (0.0083%); highest among the groups gnomAD compares: East Asian, 0.23%; no homozygotes.

Submission:

CeGaT Center for Human Genetics Tuebingen
Classification: Likely benign. Last evaluated: 2025-03-01. Review status: criteria provided, single submitter. Criteria: CeGaT Center For Human Genetics Tuebingen Variant Classification Criteria Version 2. Collection method: clinical testing. Allele origin: germline. Affected: yes. Observed: 1 variant allele.
Comment: SNAPC4: BP4, BP7